The following is an entry in ClinVar:

NM_004408.4(DNM1):c.176G>A (p.Arg59Gln)

Genes: DNM1 (dynamin 1; plus strand), LOC113839516 (Sharpr-MPRA regulatory region 8497; plus strand). Cytogenetic location: 9q34.11.
Variant type: single nucleotide variant.
Coding change: c.176G>A on transcript NM_004408.4 (MANE Select); coding-DNA position 176, G replaced by A.
Protein change: p.Arg59Gln; replaces arginine 59 with glutamine.
Molecular consequence: missense variant.
Genome position (GRCh38, 1-based): chr9:128,218,245, G>A. VCF-style: chr9-128218245-G-A. GRCh37 (hg19) VCF-style: chr9-130980524-G-A.
Other names: c.176G>A, p.Arg59Gln (NM_001005336.3, NM_001288737.2, NM_001288738.2 and 2 more transcripts); short protein forms R59Q.
Identifiers: ClinVar variation 2801298 (VCV002801298.3), dbSNP rs2538974437, ClinGen allele CA375010118.
Genomic context (GRCh38, chr9:128,218,245, plus strand): 5'-CGCCCCCTCATATCTTGACCCTCCTTTGACCTCCAACTCATTGCAGGGACTTCTTGCCTC[G>A]AGGATCTGGCATTGTCACCCGACGTCCCCTGGTCTTGCAGCTGGTCAATGCAACCACAGG-3'
Protein context (NP_004399.2, residues 49-69): ENFVGRDFLP[Arg59Gln]GSGIVTRRPL

ClinVar aggregate classification (germline): Uncertain significance (1 of 4 stars; one submission).

Conditions:
Developmental and epileptic encephalopathy, 31A. Also called: Epileptic encephalopathy, early infantile, 31; Developmental and epileptic encephalopathy, 31. Identifiers: Orphanet 2382, MedGen C4225357, MONDO:0014598, OMIM 616346.

Allele frequency attached by ClinVar (database versions not stated): gnomAD exomes below 0.00001.
gnomAD v4.1: 1 of 1,613,982 alleles (0.000062%); highest among the groups gnomAD compares: Non-Finnish European, 0.000085%; no homozygotes.

Submission:

Labcorp Genetics (formerly Invitae), Labcorp
Classification: Uncertain significance for Developmental and epileptic encephalopathy, 31A. Last evaluated: 2023-12-04. Review status: criteria provided, single submitter. Criteria: Invitae Variant Classification Sherloc (09022015). Collection method: clinical testing. Allele origin: germline.
Comment: This sequence change replaces arginine, which is basic and polar, with glutamine, which is neutral and polar, at codon 59 of the DNM1 protein (p.Arg59Gln). This variant is not present in population databases (gnomAD no frequency). This variant has not been reported in the literature in individuals affected with DNM1-related conditions. Advanced modeling of protein sequence and biophysical properties (such as structural, functional, and spatial information, amino acid conservation, physicochemical variation, residue mobility, and thermodynamic stability) performed at Invitae indicates that this missense variant is expected to disrupt DNM1 protein function with a positive predictive value of 80%. In summary, the available evidence is currently insufficient to determine the role of this variant in disease. Therefore, it has been classified as a Variant of Uncertain Significance.